The following is an entry in ClinVar:

NM_001128178.3(NPHP1):c.204+5G>A

Gene: NPHP1 (nephrocystin 1; minus strand). Cytogenetic location: 2q13.
Variant type: single nucleotide variant.
Coding change: c.204+5G>A on transcript NM_001128178.3 (MANE Select); 5 bases into the intron after coding-DNA position 204, G replaced by A.
Molecular consequence: intron variant.
Genome position (GRCh38, 1-based): chr2:110,179,619, C>T on the plus strand (G>A on the coding strand, the complement: NPHP1 is on the minus strand). VCF-style: chr2-110179619-C-T. GRCh37 (hg19) VCF-style: chr2-110937196-C-T.
Other names: c.144-9621G>A (NM_001128179.3); c.204+5G>A (NM_001374256.1, NM_001374257.1, NM_207181.4 and 1 more transcripts).
Identifiers: ClinVar variation 4806207 (VCV004806207.1).

ClinVar aggregate classification (germline): Uncertain significance (1 of 4 stars; one submission).

Conditions:
Nephronophthisis. Also called: Juvenile Nephronophthisis. Identifiers: Orphanet 655, MedGen C0687120, MONDO:0019005, HP:0000090.

Submission:

Labcorp Genetics (formerly Invitae), Labcorp
Classification: Uncertain significance for Nephronophthisis. Last evaluated: 2025-08-14. Review status: criteria provided, single submitter. Criteria: Invitae Variant Classification Sherloc (09022015). Collection method: clinical testing. Allele origin: germline.
Comment: This sequence change falls in intron 3 of the NPHP1 gene. It does not directly change the encoded amino acid sequence of the NPHP1 protein. It affects a nucleotide within the consensus splice site. This variant is not present in population databases (gnomAD no frequency). This variant has not been reported in the literature in individuals affected with NPHP1-related conditions. Variants that disrupt the consensus splice site are a relatively common cause of aberrant splicing (PMID: 17576681, 9536098). Algorithms developed to predict the effect of sequence changes on RNA splicing suggest that this variant may disrupt the consensus splice site. In summary, the available evidence is currently insufficient to determine the role of this variant in disease. Therefore, it has been classified as a Variant of Uncertain Significance.

Literature cited by the submitters: PubMed 17576681; PubMed 9536098.